The following is an entry in ClinVar:

ClinVar aggregate classification (germline): Uncertain significance (1 of 4 stars; one submission).

Conditions:
Tuberous sclerosis 2 (TSC2). Identifiers: Orphanet 805, MedGen C1860707, MONDO:0013199, OMIM 613254.

Submission:

Dasa
Classification: Uncertain significance for Tuberous sclerosis 2. Last evaluated: 2025-02-27. Review status: criteria provided, single submitter. Criteria: DASA Assertion Criteria. Collection method: clinical testing. Allele origin: germline.
Comment: NM_000548.5(TSC2):c.197A>C (p.Glu66Ala) is a missense variant that results in the substitution of glutamic acid with alanine. This variant is absent from population databases. The currently available literature and clinical evidence are not sufficient to establish a definitive association between this variant and the reported condition. Therefore, this variant is classified as a variant of uncertain significance.

NM_000548.5(TSC2):c.197A>C (p.Glu66Ala)

Gene: TSC2 (TSC complex subunit 2; plus strand). Cytogenetic location: 16p13.3.
Variant type: single nucleotide variant.
Coding change: c.197A>C on transcript NM_000548.5 (MANE Select); coding-DNA position 197, A replaced by C.
Protein change: p.Glu66Ala; replaces glutamic acid 66 with alanine.
Molecular consequence: missense variant. On other transcripts: 5 prime UTR variant (20), non-coding transcript variant (5).
Genome position (GRCh38, 1-based): chr16:2,050,458, A>C. VCF-style: chr16-2050458-A-C. GRCh37 (hg19) VCF-style: chr16-2100459-A-C.
Other names: c.197A>C, p.Glu66Ala (NM_001370404.1, NM_001370405.1, NM_001406663.1 and 13 more transcripts); c.50A>C, p.Glu17Ala (NM_001406675.1, NM_001406676.1, NM_001406677.1 and 2 more transcripts); c.-620A>C (NM_001406680.1, NM_001406683.1, NM_001406687.1); c.-249A>C (NM_001406681.1); c.-30A>C (NM_001406682.1, NM_001406684.1, NM_001318831.2 and 3 more transcripts); c.230A>C, p.Glu77Ala (NM_001318832.2); c.-1235A>C (NM_001406689.1, NM_001406690.1, NM_001406691.1 and 2 more transcripts); c.-1541A>C (NM_001406693.1); and 3 more; short protein forms E17A, E66A, E77A.
Identifiers: ClinVar variation 4886624 (VCV004886624.2).